The following is an entry in ClinVar:

ClinVar aggregate classification (germline): Uncertain significance. Review status: criteria provided, multiple submitters, no conflicts (2 of 4 stars). 2 submissions from 2 submitters: Uncertain significance (2). Last evaluated 2024-09-23.

Allele frequency attached by ClinVar (database versions not stated): gnomAD 0.00001; gnomAD exomes 0.00001; ExAC 0.00002.
gnomAD v4.1: 22 of 1,613,378 alleles (0.0014%); highest among the groups gnomAD compares: Non-Finnish European, 0.0016%; no homozygotes.

Submissions (2):

Blueprint Genetics
Classification: Uncertain significance. Last evaluated: 2024-09-23. Review status: criteria provided, single submitter. Criteria: ACMG Guidelines, 2015. Collection method: clinical testing. Allele origin: germline.

Labcorp Genetics (formerly Invitae), Labcorp
Classification: Uncertain significance. Last evaluated: 2022-07-15. Review status: criteria provided, single submitter. Criteria: Invitae Variant Classification Sherloc (09022015). Collection method: clinical testing. Allele origin: germline.
Comment: This sequence change replaces proline, which is neutral and non-polar, with leucine, which is neutral and non-polar, at codon 799 of the CACNA2D4 protein (p.Pro799Leu). This variant is present in population databases (rs759276999, gnomAD 0.002%). This variant has not been reported in the literature in individuals affected with CACNA2D4-related conditions. ClinVar contains an entry for this variant (Variation ID: 1466207). Algorithms developed to predict the effect of missense changes on protein structure and function are either unavailable or do not agree on the potential impact of this missense change (SIFT: "Deleterious"; PolyPhen-2: "Probably Damaging"; Align-GVGD: "Class C0"). In summary, the available evidence is currently insufficient to determine the role of this variant in disease. Therefore, it has been classified as a Variant of Uncertain Significance.

NM_172364.5(CACNA2D4):c.2396C>T (p.Pro799Leu)

Gene: CACNA2D4 (calcium voltage-gated channel auxiliary subunit alpha2delta 4; minus strand). Cytogenetic location: 12p13.33.
Variant type: single nucleotide variant.
Coding change: c.2396C>T on transcript NM_172364.5 (MANE Select); coding-DNA position 2396, C replaced by T.
Protein change: p.Pro799Leu; replaces proline 799 with leucine.
Molecular consequence: missense variant.
Genome position (GRCh38, 1-based): chr12:1,844,476, G>A on the plus strand (C>T on the coding strand, the complement: CACNA2D4 is on the minus strand). VCF-style: chr12-1844476-G-A. GRCh37 (hg19) VCF-style: chr12-1953642-G-A.
Other names: short protein forms P799L.
Identifiers: ClinVar variation 1466207 (VCV001466207.7), dbSNP rs759276999, ClinGen allele CA6386712.